The following is an entry in ClinVar:

ClinVar aggregate classification (germline): Likely benign (1 of 4 stars; one submission).

gnomAD v4.1: 3,142 of 1,600,980 alleles (0.2%); highest among the groups gnomAD compares: Non-Finnish European, 0.25%; 3 homozygotes.

Submission:

CeGaT Center for Human Genetics Tuebingen
Classification: Likely benign. Last evaluated: 2026-05-01. Review status: criteria provided, single submitter. Criteria: CeGaT Center For Human Genetics Tuebingen Variant Classification Criteria Version 2. Collection method: clinical testing. Allele origin: germline. Affected: yes. Observed: 1 variant allele.
Comment: PIDD1: BS2

NM_145886.4(PIDD1):c.1974C>A (p.Asp658Glu)

Gene: PIDD1 (p53-induced death domain protein 1; minus strand). Cytogenetic location: 11p15.5.
Variant type: single nucleotide variant.
Coding change: c.1974C>A on transcript NM_145886.4 (MANE Select); coding-DNA position 1974, C replaced by A.
Protein change: p.Asp658Glu; replaces aspartic acid 658 with glutamic acid.
Molecular consequence: missense variant.
Genome position (GRCh38, 1-based): chr11:800,610, G>T on the plus strand (C>A on the coding strand, the complement: PIDD1 is on the minus strand). VCF-style: chr11-800610-G-T. GRCh37 (hg19) VCF-style: chr11-800610-G-T.
Other names: c.1974C>A, p.Asp658Glu (NM_145887.4); short protein forms D658E.
Identifiers: ClinVar variation 4872466 (VCV004872466.2).